The following is an entry in ClinVar:

NM_020458.4(TTC7A):c.2325C>G (p.Asn775Lys)

Gene: TTC7A (tetratricopeptide repeat domain 7A; plus strand). Cytogenetic location: 2p21.
Variant type: single nucleotide variant.
Coding change: c.2325C>G on transcript NM_020458.4 (MANE Select); coding-DNA position 2325, C replaced by G.
Protein change: p.Asn775Lys; replaces asparagine 775 with lysine.
Molecular consequence: missense variant.
Genome position (GRCh38, 1-based): chr2:47,060,941, C>G. VCF-style: chr2-47060941-C-G. GRCh37 (hg19) VCF-style: chr2-47288080-C-G.
Other names: c.2397C>G, p.Asn799Lys (NM_001288951.2); c.2223C>G, p.Asn741Lys (NM_001288953.2); c.1263C>G, p.Asn421Lys (NM_001288955.2); c.2325C>G (NM_020458.2); short protein forms N775K, N799K, N421K, N741K.
Identifiers: ClinVar variation 2187108 (VCV002187108.5), dbSNP rs750924547, ClinGen allele CA1648097.
Genomic context (GRCh38, chr2:47,060,941, plus strand): 5'-TGAGGTGAAGGGCAACCTGGAGGAGGCCAAGCAGCTGTACAAGGAGGCGCTCACGGTGAA[C>G]CCAGATGGCGTGCGCATCATGCATAGCCTGGTGAGTCAGAGCCCCCCGCGCTCCCACCAC-3'
Protein context (NP_065191.2, residues 765-785): KQLYKEALTV[Asn775Lys]PDGVRIMHSL

ClinVar aggregate classification (germline): Uncertain significance. Review status: criteria provided, multiple submitters, no conflicts (2 of 4 stars). 2 submissions from 2 submitters: Uncertain significance (2). Last evaluated 2025-11-03.

Conditions:
Inborn genetic diseases. Identifiers: MedGen C0950123, MeSH D030342.
Multiple gastrointestinal atresias. Also called: FAMILIAL INTESTINAL POLYATRESIA SYNDROME; Multiple intestinal atresia. Identifiers: Orphanet 2300, MedGen C0220744, MONDO:0009465.

Allele frequency attached by ClinVar (database versions not stated): TOPMed 0.00001; gnomAD 0.00002; ExAC 0.00003; gnomAD exomes 0.00003.
gnomAD v4.1: 46 of 1,613,742 alleles (0.0029%); highest among the groups gnomAD compares: Non-Finnish European, 0.0037%; no homozygotes.

Submissions (2):

Labcorp Genetics (formerly Invitae), Labcorp
Classification: Uncertain significance for Multiple gastrointestinal atresias. Last evaluated: 2025-11-03. Review status: criteria provided, single submitter. Criteria: Invitae Variant Classification Sherloc (09022015). Collection method: clinical testing. Allele origin: germline.
Comment: This sequence change replaces asparagine, which is neutral and polar, with lysine, which is basic and polar, at codon 775 of the TTC7A protein (p.Asn775Lys). This variant is present in population databases (rs750924547, gnomAD 0.004%). This variant has not been reported in the literature in individuals affected with TTC7A-related conditions. ClinVar contains an entry for this variant (Variation ID: 2187108). Invitae Evidence Modeling of protein sequence and biophysical properties (such as structural, functional, and spatial information, amino acid conservation, physicochemical variation, residue mobility, and thermodynamic stability) indicates that this missense variant is expected to disrupt TTC7A protein function with a positive predictive value of 80%. In summary, the available evidence is currently insufficient to determine the role of this variant in disease. Therefore, it has been classified as a Variant of Uncertain Significance.

Ambry Genetics
Classification: Uncertain significance for Inborn genetic diseases. Last evaluated: 2024-04-08. Review status: criteria provided, single submitter. Criteria: Ambry Variant Classification Scheme 2023. Collection method: clinical testing. Allele origin: germline.